The following is an entry in ClinVar:

ClinVar aggregate classification (germline): Uncertain significance (1 of 4 stars; one submission).

gnomAD v4.1: 3 of 1,599,346 alleles (0.00019%); highest among the groups gnomAD compares: African/African-American, 0.0013%; no homozygotes.

Submission:

Mayo Clinic Laboratories, Mayo Clinic
Classification: Uncertain significance. Last evaluated: 2025-06-06. Review status: criteria provided, single submitter. Criteria: ACMG Guidelines, 2015. Collection method: clinical testing. Allele origin: germline. Observed: 1 variant allele.
Comment: BP4_moderate

NM_001365276.2(TNXB):c.1718G>A (p.Arg573Gln)

Gene: TNXB (tenascin XB; minus strand). Cytogenetic location: 6p21.33.
Variant type: single nucleotide variant.
Coding change: c.1718G>A on transcript NM_001365276.2 (MANE Select); coding-DNA position 1718, G replaced by A.
Protein change: p.Arg573Gln; replaces arginine 573 with glutamine.
Molecular consequence: missense variant.
Genome position (GRCh38, 1-based): chr6:32,096,135, C>T on the plus strand (G>A on the coding strand, the complement: TNXB is on the minus strand). VCF-style: chr6-32096135-C-T. GRCh37 (hg19) VCF-style: chr6-32063912-C-T.
Other names: p.Arg573Gln; c.1718G>A, p.Arg573Gln (NM_001428335.1, NM_019105.8); short protein forms R573Q.
Identifiers: ClinVar variation 4541146 (VCV004541146.1).